The following is an entry in ClinVar:

NM_016111.4(TELO2):c.284C>T (p.Pro95Leu)

Gene: TELO2 (telomere maintenance 2; plus strand). Cytogenetic location: 16p13.3.
Variant type: single nucleotide variant.
Coding change: c.284C>T on transcript NM_016111.4 (MANE Select); coding-DNA position 284, C replaced by T.
Protein change: p.Pro95Leu; replaces proline 95 with leucine.
Molecular consequence: missense variant.
Genome position (GRCh38, 1-based): chr16:1,494,565, C>T. VCF-style: chr16-1494565-C-T. GRCh37 (hg19) VCF-style: chr16-1544566-C-T.
Other names: c.284C>T, p.Pro95Leu (NM_001351846.2); short protein forms P95L.
Identifiers: ClinVar variation 1311961 (VCV001311961.2), dbSNP rs771370067, ClinGen allele CA7811578.
Genomic context (GRCh38, chr16:1,494,565, plus strand): 5'-TGGAGCTGCTGCCCCATGGCCGCCTGGAGGAGCTGTGGGCCAGCTTCTTCCTGGAGGGCC[C>T]GGCGGACCAAGCCTTCCTGGTGTTGATGGAGACCATCGAGGGTGCTGCGGGGTGAGTGGG-3'
Protein context (NP_057195.2, residues 85-105): ELWASFFLEG[Pro95Leu]ADQAFLVLME

ClinVar aggregate classification (germline): Uncertain significance (1 of 4 stars; one submission).

Submission:

GeneDx
Classification: Uncertain significance. Last evaluated: 2020-02-02. Review status: criteria provided, single submitter. Criteria: GeneDx Variant Classification Process June 2021. Collection method: clinical testing. Allele origin: germline. Affected: yes.
Comment: Not observed at a significant frequency in large population cohorts (Lek et al., 2016); In silico analysis supports that this missense variant has a deleterious effect on protein structure/function; Has not been previously published as pathogenic or benign to our knowledge